The following is an entry in ClinVar:

NM_000747.3(CHRNB1):c.406G>T (p.Asp136Tyr)

Gene: CHRNB1 (cholinergic receptor nicotinic beta 1 subunit; plus strand). Cytogenetic location: 17p13.1.
Variant type: single nucleotide variant.
Coding change: c.406G>T on transcript NM_000747.3 (MANE Select); coding-DNA position 406, G replaced by T.
Protein change: p.Asp136Tyr; replaces aspartic acid 136 with tyrosine.
Molecular consequence: missense variant.
Genome position (GRCh38, 1-based): chr17:7,447,095, G>T. VCF-style: chr17-7447095-G-T. GRCh37 (hg19) VCF-style: chr17-7350414-G-T.
Other names: short protein forms D136Y.
Identifiers: ClinVar variation 2157918 (VCV002157918.4), dbSNP rs146117123, ClinGen allele CA287424246.

ClinVar aggregate classification (germline): Uncertain significance (1 of 4 stars; one submission).

Conditions:
Congenital myasthenic syndrome 2A. Also called: Myasthenic syndrome, congenital, 2a, slow-channel. Identifiers: Orphanet 590, MedGen C4225374, MONDO:0014581, OMIM 616313.

Allele frequency attached by ClinVar (database versions not stated): gnomAD 0.00005; ESP Exome Variant Server 0.00008.
gnomAD v4.1: 11 of 1,614,000 alleles (0.00068%); highest among the groups gnomAD compares: African/African-American, 0.012%; no homozygotes.

Submission:

Labcorp Genetics (formerly Invitae), Labcorp
Classification: Uncertain significance for Congenital myasthenic syndrome 2A. Last evaluated: 2023-03-30. Review status: criteria provided, single submitter. Criteria: Invitae Variant Classification Sherloc (09022015). Collection method: clinical testing. Allele origin: germline.
Comment: In summary, the available evidence is currently insufficient to determine the role of this variant in disease. Therefore, it has been classified as a Variant of Uncertain Significance. Advanced modeling of protein sequence and biophysical properties (such as structural, functional, and spatial information, amino acid conservation, physicochemical variation, residue mobility, and thermodynamic stability) performed at Invitae indicates that this missense variant is not expected to disrupt CHRNB1 protein function. ClinVar contains an entry for this variant (Variation ID: 2157918). This variant has not been reported in the literature in individuals affected with CHRNB1-related conditions. This variant is present in population databases (rs146117123, gnomAD 0.01%). This sequence change replaces aspartic acid, which is acidic and polar, with tyrosine, which is neutral and polar, at codon 136 of the CHRNB1 protein (p.Asp136Tyr).